The following is an entry in ClinVar:

NM_138459.5(NUS1):c.62C>T (p.Thr21Met)

Gene: NUS1 (NUS1 dehydrodolichyl diphosphate synthase subunit; plus strand). Cytogenetic location: 6q22.1.
Variant type: single nucleotide variant.
Coding change: c.62C>T on transcript NM_138459.5 (MANE Select); coding-DNA position 62, C replaced by T.
Protein change: p.Thr21Met; replaces threonine 21 with methionine.
Molecular consequence: missense variant.
Genome position (GRCh38, 1-based): chr6:117,675,732, C>T. VCF-style: chr6-117675732-C-T. GRCh37 (hg19) VCF-style: chr6-117996895-C-T.
Other names: short protein forms T21M.
Identifiers: ClinVar variation 3669341 (VCV003669341.2).

ClinVar aggregate classification (germline): Uncertain significance (1 of 4 stars; one submission).

Conditions:
Congenital disorder of glycosylation, type Iaa. Also called: Congenital disorder of glycosylation, type 1aa. Identifiers: MedGen C4310727, MONDO:0014904, OMIM 617082.

Submission:

Labcorp Genetics (formerly Invitae), Labcorp
Classification: Uncertain significance for Congenital disorder of glycosylation, type Iaa. Last evaluated: 2024-10-20. Review status: criteria provided, single submitter. Criteria: Invitae Variant Classification Sherloc (09022015). Collection method: clinical testing. Allele origin: germline.
Comment: This sequence change replaces threonine, which is neutral and polar, with methionine, which is neutral and non-polar, at codon 21 of the NUS1 protein (p.Thr21Met). This variant is not present in population databases (gnomAD no frequency). This variant has not been reported in the literature in individuals affected with NUS1-related conditions. An algorithm developed to predict the effect of missense changes on protein structure and function (PolyPhen-2) suggests that this variant is likely to be tolerated. In summary, the available evidence is currently insufficient to determine the role of this variant in disease. Therefore, it has been classified as a Variant of Uncertain Significance.